The following is an entry in ClinVar:

NM_001376.5(DYNC1H1):c.3642C>A (p.Ile1214=)

Gene: DYNC1H1 (dynein cytoplasmic 1 heavy chain 1; plus strand). Cytogenetic location: 14q32.31.
Variant type: single nucleotide variant.
Coding change: c.3642C>A on transcript NM_001376.5 (MANE Select); coding-DNA position 3642, C replaced by A.
Protein change: p.Ile1214=; no amino-acid change (isoleucine 1214 retained).
Molecular consequence: synonymous variant.
Genome position (GRCh38, 1-based): chr14:101,997,112, C>A. VCF-style: chr14-101997112-C-A. GRCh37 (hg19) VCF-style: chr14-102463449-C-A.
Identifiers: ClinVar variation 539782 (VCV000539782.9), dbSNP rs778273904, ClinGen allele CA7352062.
Genomic context (GRCh38, chr14:101,997,112, plus strand): 5'-GCGCTTACTGGAAAAGCAAAGGTTCCAGTTCCCACCTTCCTGGCTTTATATTGACAACAT[C>A]GAGGGAGAGTGGGGAGCCTTCAATGACATCATGCGGCGAAAGGACTCTGCCATTCAGCAG-3'
Protein context (NP_001367.2, residues 1204-1224): FPPSWLYIDN[Ile1214=]EGEWGAFNDI

ClinVar aggregate classification (germline): Likely benign. Review status: criteria provided, multiple submitters, no conflicts (2 of 4 stars). 2 submissions from 2 submitters: Likely benign (2). Last evaluated 2024-02-17.

Conditions:
Charcot-Marie-Tooth disease axonal type 2O. Also called: CHARCOT-MARIE-TOOTH NEUROPATHY, AXONAL, TYPE 2O; CHARCOT-MARIE-TOOTH DISEASE, AXONAL, AUTOSOMAL DOMINANT, TYPE 2O; Charcot-Marie-Tooth Neuropathy Type 2O; Charcot-Marie-Tooth disease, axonal, type 20. Identifiers: Orphanet 284232, MedGen C3280220, MONDO:0013644, OMIM 614228.

gnomAD v4.1: 5 of 1,614,144 alleles (0.00031%); highest among the groups gnomAD compares: Non-Finnish European, 0.00042%; no homozygotes.

Submissions (2):

Labcorp Genetics (formerly Invitae), Labcorp
Classification: Likely benign for Charcot-Marie-Tooth disease axonal type 2O. Last evaluated: 2024-02-17. Review status: criteria provided, single submitter. Criteria: Invitae Variant Classification Sherloc (09022015). Collection method: clinical testing. Allele origin: germline.

GeneDx
Classification: Likely benign. Last evaluated: 2018-04-19. Review status: criteria provided, single submitter. Criteria: GeneDx Variant Classification (06012015). Collection method: clinical testing. Allele origin: germline. Affected: yes.
Comment: This variant is considered likely benign or benign based on one or more of the following criteria: it is a conservative change, it occurs at a poorly conserved position in the protein, it is predicted to be benign by multiple in silico algorithms, and/or has population frequency not consistent with disease.